The following is an entry in ClinVar:

NM_201378.4(PLEC):c.18C>A (p.Pro6=)

Gene: PLEC (plectin; minus strand). Cytogenetic location: 8q24.3.
Variant type: single nucleotide variant.
Coding change: c.18C>A on transcript NM_201378.4 (MANE Plus Clinical); coding-DNA position 18, C replaced by A.
Protein change: p.Pro6=; no amino-acid change (proline 6 retained).
Molecular consequence: synonymous variant. On other transcripts: intron variant (2).
Genome position (GRCh38, 1-based): chr8:143,973,455, G>T on the plus strand (C>A on the coding strand, the complement: PLEC is on the minus strand). VCF-style: chr8-143973455-G-T. GRCh37 (hg19) VCF-style: chr8-145047623-G-T.
Other names: c.193+1722C>A (NM_001410941.1, NM_000445.5).
Identifiers: ClinVar variation 766891 (VCV000766891.12), dbSNP rs376768928, ClinGen allele CA4929126.

ClinVar aggregate classification (germline): Likely benign. Review status: criteria provided, multiple submitters, no conflicts (2 of 4 stars). 2 submissions from 2 submitters: Likely benign (2). Last evaluated 2025-08-04.

Conditions:
Epidermolysis bullosa simplex 5B, with muscular dystrophy (EBS5B). Also called: EPIDERMOLYSIS BULLOSA SIMPLEX AND LIMB-GIRDLE MUSCULAR DYSTROPHY; Epidermolysis bullosa simplex with muscular dystrophy. Identifiers: Orphanet 257, MedGen C2931072, MONDO:0009181, OMIM 226670.
Autosomal recessive limb-girdle muscular dystrophy type 2Q (LGMDR17). Also called: MUSCULAR DYSTROPHY, LIMB-GIRDLE, AUTOSOMAL RECESSIVE 17. Identifiers: Orphanet 254361, MedGen C3150989, MONDO:0013390, OMIM 613723.
Epidermolysis bullosa simplex, Ogna type (EBS5A). Also called: Pidermolysis bullosa simplex 5A, Ogna type; EPIDERMOLYSIS BULLOSA SIMPLEX 5A, OGNA TYPE. Identifiers: Orphanet 79401, MedGen C0432317, MONDO:0007555, OMIM 131950.
Epidermolysis bullosa simplex 5C, with pyloric atresia (EBS5C). Also called: PLEC-Related Epidermolysis Bullosa with Pyloric Atresia; Epidermolysis bullosa simplex with pyloric atresia; PLEC1-Related Epidermolysis Bullosa with Pyloric Atresia. Identifiers: Orphanet 158684, MedGen C2677349, MONDO:0012807, OMIM 612138.
Epidermolysis bullosa simplex with nail dystrophy (EBS5D). Identifiers: MedGen C4225309, MONDO:0014661, OMIM 616487.
PLEC-related disorder. Also called: PLEC-related disorders; PLEC-related condition.

Allele frequency attached by ClinVar (database versions not stated): ExAC 0.00060; TOPMed 0.00001; 1000 Genomes Project 30x 0.00016.
gnomAD v4.1: 83 of 1,517,384 alleles (0.0055%); highest among the groups gnomAD compares: South Asian, 0.073%; 2 homozygotes.

Submissions (2):

Labcorp Genetics (formerly Invitae), Labcorp
Classification: Likely benign for Autosomal recessive limb-girdle muscular dystrophy type 2Q; Epidermolysis bullosa simplex, Ogna type; Epidermolysis bullosa simplex with nail dystrophy; Epidermolysis bullosa simplex 5C, with pyloric atresia; Epidermolysis bullosa simplex 5B, with muscular dystrophy. Last evaluated: 2025-08-04. Review status: criteria provided, single submitter. Criteria: Invitae Variant Classification Sherloc (09022015). Collection method: clinical testing. Allele origin: germline.

PreventionGenetics, part of Exact Sciences
Classification: Likely benign for PLEC-related condition. Last evaluated: 2025-05-27. Review status: criteria provided, single submitter. Criteria: ACMG Guidelines, 2015. Collection method: clinical testing. Allele origin: germline.
Comment: This variant is classified as likely benign based on ACMG/AMP sequence variant interpretation guidelines (Richards et al. 2015 PMID: 25741868, with internal and published modifications).